The following is an entry in ClinVar:

ClinVar aggregate classification (germline): Uncertain significance (1 of 4 stars; one submission).

Submission:

GeneDx
Classification: Uncertain significance. Last evaluated: 2020-02-19. Review status: criteria provided, single submitter. Criteria: GeneDx Variant Classification Process June 2021. Collection method: clinical testing. Allele origin: germline. Affected: yes.
Comment: In silico analysis, which includes protein predictors and evolutionary conservation, supports that this variant does not alter protein structure/function; Located within the homodimerization domain D, however, the majority of reported variants have clustered in the WD40 domains (Holt et al., 2019); Has not been previously published as pathogenic or benign to our knowledge; Not observed in large population cohorts (Lek et al., 2016)

NM_001378974.1(FBXW11):c.406T>A (p.Leu136Met)

Gene: FBXW11 (F-box and WD repeat domain containing 11; minus strand). Cytogenetic location: 5q35.1.
Variant type: single nucleotide variant.
Coding change: c.406T>A on transcript NM_001378974.1 (MANE Select); coding-DNA position 406, T replaced by A.
Protein change: p.Leu136Met; replaces leucine 136 with methionine.
Molecular consequence: missense variant.
Genome position (GRCh38, 1-based): chr5:171,910,602, A>T on the plus strand (T>A on the coding strand, the complement: FBXW11 is on the minus strand). VCF-style: chr5-171910602-A-T. GRCh37 (hg19) VCF-style: chr5-171337606-A-T.
Other names: c.343T>A, p.Leu115Met (NM_001378975.1, NM_012300.3); c.310T>A, p.Leu104Met (NM_001378976.1); c.247T>A, p.Leu83Met (NM_001378977.1, NM_001378978.1, NM_001378979.1); c.241T>A, p.Leu81Met (NM_001378980.1, NM_033645.3); c.304T>A, p.Leu102Met (NM_033644.3); short protein forms L102M, L104M, L115M, L136M, L81M, L83M.
Identifiers: ClinVar variation 1318998 (VCV001318998.2), dbSNP rs2113930855, ClinGen allele CA362211651.
Genomic context (GRCh38, chr5:171,910,602, plus strand): 5'-CTCAGCTTTTGAAAAGACAAGTACAGTTACCTGGTAAAGCGGTAATAAAGTCCCGCTGCA[A>T]CATGGGCTTCAGGTAAGAGTTAATATGTCCATGCTGATAATGACACATTCGTGAAATAAG-3'
Protein context (NP_001365903.1, residues 126-146): GHINSYLKPM[Leu136Met]QRDFITALPE